The following is an entry in ClinVar:

ClinVar aggregate classification (germline): Uncertain significance (1 of 4 stars; one submission).

gnomAD v4.1: 6 of 1,614,178 alleles (0.00037%); highest among the groups gnomAD compares: Non-Finnish European, 0.00051%; no homozygotes.

Submission:

Ambry Genetics
Classification: Uncertain significance. Last evaluated: 2024-12-02. Review status: criteria provided, single submitter. Criteria: Ambry Variant Classification Scheme 2023. Collection method: clinical testing. Allele origin: germline.
Comment: The p.E576V variant (also known as c.1727A>T), located in coding exon 1 of the TET2 gene, results from an A to T substitution at nucleotide position 1727. The glutamic acid at codon 576 is replaced by valine, an amino acid with dissimilar properties. This amino acid position is conserved. In addition, this alteration is predicted to be tolerated by in silico analysis. Based on the available evidence, the clinical significance of this variant remains unclear.

NM_001127208.3(TET2):c.1727A>T (p.Glu576Val)

Genes: TET2 (tet methylcytosine dioxygenase 2; plus strand), TET2-AS1 (TET2 antisense RNA 1; minus strand). Cytogenetic location: 4q24.
Variant type: single nucleotide variant.
Coding change: c.1727A>T on transcript NM_001127208.3 (MANE Select); coding-DNA position 1727, A replaced by T.
Protein change: p.Glu576Val; replaces glutamic acid 576 with valine.
Molecular consequence: missense variant.
Genome position (GRCh38, 1-based): chr4:105,235,669, A>T. VCF-style: chr4-105235669-A-T. GRCh37 (hg19) VCF-style: chr4-106156826-A-T.
Other names: c.1727A>T, p.Glu576Val (NM_017628.4); short protein forms E576V.
Identifiers: ClinVar variation 3455365 (VCV003455365.1).
Genomic context (GRCh38, chr4:105,235,669, plus strand): 5'-CACAGCACTATCTGAAACCAGGATGGATTGAATTGAAGGCCCCTCGTTTTCACCAAGCGG[A>T]ATCCCATCTAAAACGTAATGAGGCATCACTGCCATCAATTCTTCAGTATCAACCCAATCT-3'
Protein context (NP_001120680.1, residues 566-586): ELKAPRFHQA[Glu576Val]SHLKRNEASL